The following is an entry in ClinVar:

NM_000937.5(POLR2A):c.2350-1G>A

Genes: POLR2A (RNA polymerase II subunit A; plus strand), LOC126862481 (BRD4-independent group 4 enhancer GRCh37_chr17:7405086-7406285; plus strand). Cytogenetic location: 17p13.1.
Variant type: single nucleotide variant.
Coding change: c.2350-1G>A on transcript NM_000937.5 (MANE Select); the canonical splice acceptor site of the intron before coding-DNA position 2350, G replaced by A.
Molecular consequence: splice acceptor variant.
Genome position (GRCh38, 1-based): chr17:7,501,899, G>A. VCF-style: chr17-7501899-G-A. GRCh37 (hg19) VCF-style: chr17-7405218-G-A.
Identifiers: ClinVar variation 4081893 (VCV004081893.2).
Genomic context (GRCh38, chr17:7,501,899, plus strand): 5'-TTGGGAACTGTTATTCTTAAGGCAGAGGGAATTCAGTATACACCACCTTTCTGTTTCCCA[G>A]GTCATTGCTGTCGTTGGACAGCAGAACGTCGAGGGCAAGCGGATTCCATTTGGCTTCAAG-3'

ClinVar aggregate classification (germline): Uncertain significance (1 of 4 stars; one submission).

Conditions:
Neurodevelopmental disorder with hypotonia and variable intellectual and behavioral abnormalities. Identifiers: MedGen C5231423, MONDO:0032829, OMIM 618603.

Submission:

Clinical Genetics Laboratory, University Hospital Schleswig-Holstein
Classification: Uncertain significance for Neurodevelopmental disorder with hypotonia and variable intellectual and behavioral abnormalities. Last evaluated: 2025-11-26. Review status: criteria provided, single submitter. Criteria: ACMG Guidelines, 2015. Collection method: clinical testing. Allele origin: maternal. Affected: yes. Observed: 1 heterozygote.
Comment: ACMG criteria applied: PM2, PVS1_Strong, BS4_Supporting